The following is an entry in ClinVar:

ClinVar aggregate classification (germline): Uncertain significance (1 of 4 stars; one submission).

Conditions:
Primary ciliary dyskinesia. Also called: Ciliary dyskinesia. Identifiers: Orphanet 244, MedGen C0008780, MONDO:0016575, HP:0012265.

gnomAD v4.1: 1 of 1,613,450 alleles (0.000062%); highest among the groups gnomAD compares: Non-Finnish European, 0.000085%; no homozygotes.

Submission:

Labcorp Genetics (formerly Invitae), Labcorp
Classification: Uncertain significance for Primary ciliary dyskinesia. Last evaluated: 2025-10-07. Review status: criteria provided, single submitter. Criteria: Invitae Variant Classification Sherloc (09022015). Collection method: clinical testing. Allele origin: germline.
Comment: This sequence change replaces aspartic acid, which is acidic and polar, with valine, which is neutral and non-polar, at codon 2259 of the DNAH11 protein (p.Asp2259Val). This variant is present in population databases (rs781337388, gnomAD 0.0009%). This variant has not been reported in the literature in individuals affected with DNAH11-related conditions. Invitae Evidence Modeling of protein sequence and biophysical properties (such as structural, functional, and spatial information, amino acid conservation, physicochemical variation, residue mobility, and thermodynamic stability) has been performed for this missense variant. However, the output from this modeling did not meet the statistical confidence thresholds required to predict the impact of this variant on DNAH11 protein function. In summary, the available evidence is currently insufficient to determine the role of this variant in disease. Therefore, it has been classified as a Variant of Uncertain Significance.

NM_001277115.2(DNAH11):c.6776A>T (p.Asp2259Val)

Gene: DNAH11 (dynein axonemal heavy chain 11; plus strand). Cytogenetic location: 7p15.3.
Variant type: single nucleotide variant.
Coding change: c.6776A>T on transcript NM_001277115.2 (MANE Select); coding-DNA position 6776, A replaced by T.
Protein change: p.Asp2259Val; replaces aspartic acid 2259 with valine.
Molecular consequence: missense variant.
Genome position (GRCh38, 1-based): chr7:21,710,645, A>T. VCF-style: chr7-21710645-A-T. GRCh37 (hg19) VCF-style: chr7-21750263-A-T.
Other names: short protein forms D2259V.
Identifiers: ClinVar variation 4806273 (VCV004806273.1).
Genomic context (GRCh38, chr7:21,710,645, plus strand): 5'-CATCCATTCTACGAGAACAAGCAAATCTTAAGCATGATGGACCAAAATGGATAGTCCTGG[A>T]TGGCGATATTGACCCCATGTGGATTGAATCACTGAATACTGTAATGGATGATAACAAGGT-3'
Protein context (NP_001264044.1, residues 2249-2269): KHDGPKWIVL[Asp2259Val]GDIDPMWIES